The following is an entry in ClinVar:

ClinVar aggregate classification (germline): Uncertain significance (1 of 4 stars; one submission).

Conditions:
Joubert syndrome. Also called: Familial aplasia of the vermis; JOUBERT-BOLTSHAUSER SYNDROME; CEREBELLOPARENCHYMAL DISORDER IV. Identifiers: Orphanet 475, MedGen C5979921, MONDO:0018772.
Orofaciodigital syndrome I (OFD1). Also called: Papillon-Leage and Psaume Syndrome; OFDS I; Oral-Facial-Digital Syndrome Type I. Identifiers: Orphanet 2750, MedGen C1510460, MONDO:0010702, OMIM 311200.

gnomAD v4.1: 4 of 1,191,290 alleles (0.00034%); highest among the groups gnomAD compares: Non-Finnish European, 0.00046%; no homozygotes.

Submission:

Labcorp Genetics (formerly Invitae), Labcorp
Classification: Uncertain significance for Orofaciodigital syndrome I; Joubert syndrome. Last evaluated: 2025-10-06. Review status: criteria provided, single submitter. Criteria: Invitae Variant Classification Sherloc (09022015). Collection method: clinical testing. Allele origin: germline.
Comment: This sequence change replaces arginine, which is basic and polar, with glycine, which is neutral and non-polar, at codon 471 of the OFD1 protein (p.Arg471Gly). This variant is not present in population databases (gnomAD no frequency). This variant has not been reported in the literature in individuals affected with OFD1-related conditions. An algorithm developed to predict the effect of missense changes on protein structure and function (PolyPhen-2) suggests that this variant is likely to be disruptive. In summary, the available evidence is currently insufficient to determine the role of this variant in disease. Therefore, it has been classified as a Variant of Uncertain Significance.

NM_003611.3(OFD1):c.1411C>G (p.Arg471Gly)

Gene: OFD1 (OFD1 centriole and centriolar satellite protein; plus strand). Cytogenetic location: Xp22.2.
Variant type: single nucleotide variant.
Coding change: c.1411C>G on transcript NM_003611.3 (MANE Select); coding-DNA position 1411, C replaced by G.
Protein change: p.Arg471Gly; replaces arginine 471 with glycine.
Molecular consequence: missense variant.
Genome position (GRCh38, 1-based): chrX:13,756,767, C>G. VCF-style: chrX-13756767-C-G. GRCh37 (hg19) VCF-style: chrX-13774886-C-G.
Other names: c.1291C>G, p.Arg431Gly (NM_001330209.2, NM_001440948.1); c.991C>G, p.Arg331Gly (NM_001330210.2); c.1411C>G, p.Arg471Gly (NM_001440947.1); short protein forms R331G, R431G, R471G.
Identifiers: ClinVar variation 4791253 (VCV004791253.1).
Genomic context (GRCh38, chrX:13,756,767, plus strand): 5'-AATAAATTACTTAAACAACAACTGGAAGAGAGTAGAAATGAAAACCTGCGTCTCCTAAAC[C>G]GTATGTATTTTTCTTTTCTTCTGACTTGCGTGTTTTAGTAATTCGCATTAGGTCAGTATT-3'
Protein context (NP_003602.1, residues 461-481): SRNENLRLLN[Arg471Gly]LAQPAPELAV